The following is an entry in ClinVar:

NM_213599.3(ANO5):c.2096T>C (p.Ile699Thr)

Gene: ANO5 (anoctamin 5; plus strand). Cytogenetic location: 11p14.3.
Variant type: single nucleotide variant.
Coding change: c.2096T>C on transcript NM_213599.3 (MANE Select); coding-DNA position 2096, T replaced by C.
Protein change: p.Ile699Thr; replaces isoleucine 699 with threonine.
Molecular consequence: missense variant.
Genome position (GRCh38, 1-based): chr11:22,272,850, T>C. VCF-style: chr11-22272850-T-C. GRCh37 (hg19) VCF-style: chr11-22294396-T-C.
Other names: c.2093T>C, p.Ile698Thr (NM_001142649.2); short protein forms I699T, I698T.
Identifiers: ClinVar variation 468839 (VCV000468839.13), dbSNP rs772625102, ClinGen allele CA5923455.

ClinVar aggregate classification (germline): Uncertain significance. Review status: criteria provided, multiple submitters, no conflicts (2 of 4 stars). 3 submissions from 3 submitters: Uncertain significance (3). Last evaluated 2025-08-18.

Conditions:
Autosomal recessive limb-girdle muscular dystrophy type 2L (LGMDR12). Also called: Limb-Girdle Muscular Dystrophy R12 Anoctamin-5-Related (LGMD-R12); Limb-girdle muscular dystrophy, type 2L; MUSCULAR DYSTROPHY, LIMB-GIRDLE, AUTOSOMAL RECESSIVE 12. Identifiers: Orphanet 206549, MedGen C1969785, MONDO:0012652, OMIM 611307.
Gnathodiaphyseal dysplasia (GDD). Also called: GNATHODIAPHYSEAL SCLEROSIS; OSTEOGENESIS IMPERFECTA WITH UNUSUAL SKELETAL LESIONS. Identifiers: Orphanet 53697, MedGen C1833736, MONDO:0008151, OMIM 166260.

Allele frequency attached by ClinVar (database versions not stated): gnomAD 0.00001; gnomAD exomes 0.00003 and 0.00007; TOPMed 0.00003; ExAC 0.00005.
gnomAD v4.1: 21 of 1,614,026 alleles (0.0013%); highest among the groups gnomAD compares: Admixed American, 0.035%; no homozygotes.

Submissions (3):

Labcorp Genetics (formerly Invitae), Labcorp
Classification: Uncertain significance for Autosomal recessive limb-girdle muscular dystrophy type 2L; Gnathodiaphyseal dysplasia. Last evaluated: 2025-08-18. Review status: criteria provided, single submitter. Criteria: Invitae Variant Classification Sherloc (09022015). Collection method: clinical testing. Allele origin: germline.
Comment: This sequence change replaces isoleucine, which is neutral and non-polar, with threonine, which is neutral and polar, at codon 699 of the ANO5 protein (p.Ile699Thr). This variant is present in population databases (rs772625102, gnomAD 0.04%). This variant has not been reported in the literature in individuals affected with ANO5-related conditions. ClinVar contains an entry for this variant (Variation ID: 468839). Invitae Evidence Modeling of protein sequence and biophysical properties (such as structural, functional, and spatial information, amino acid conservation, physicochemical variation, residue mobility, and thermodynamic stability) has been performed for this missense variant. However, the output from this modeling did not meet the statistical confidence thresholds required to predict the impact of this variant on ANO5 protein function. In summary, the available evidence is currently insufficient to determine the role of this variant in disease. Therefore, it has been classified as a Variant of Uncertain Significance.

GeneDx
Classification: Uncertain significance. Last evaluated: 2024-09-16. Review status: criteria provided, single submitter. Criteria: GeneDx Variant Classification Process June 2021. Collection method: clinical testing. Allele origin: germline. Affected: yes.
Comment: In silico analysis supports that this missense variant has a deleterious effect on protein structure/function; Has not been previously published as pathogenic or benign to our knowledge

Revvity Omics, Revvity
Classification: Uncertain significance. Last evaluated: 2024-04-16. Review status: criteria provided, single submitter. Criteria: ACMG Guidelines, 2015. Collection method: clinical testing. Allele origin: germline.